The following is an entry in ClinVar:

ClinVar aggregate classification (germline): Conflicting classifications of pathogenicity. Review status: criteria provided, conflicting classifications (1 of 4 stars). 3 submissions from 3 submitters: Uncertain significance (2); Likely benign (1). Last evaluated 2026-07-30.

Conditions:
Hereditary cancer-predisposing syndrome. Also called: Hereditary neoplastic syndrome; Neoplastic Syndromes, Hereditary; Tumor predisposition; Hereditary Cancer Syndrome. Identifiers: Orphanet 140162, MedGen C0027672, MeSH D009386, MONDO:0015356.
Renal cell carcinoma. Identifiers: Orphanet 217071, MedGen C0007134, MeSH D002292, MONDO:0005086, HP:0005584.

Submissions (3):

Ambry Genetics
Classification: Likely benign for Hereditary cancer-predisposing syndrome. Last evaluated: 2026-07-30. Review status: criteria provided, single submitter. Criteria: Ambry Variant Classification Scheme 2023. Collection method: clinical testing. Allele origin: germline.

GeneDx
Classification: Uncertain significance. Last evaluated: 2025-05-15. Review status: criteria provided, single submitter. Criteria: GeneDx Variant Classification Process June 2021. Collection method: clinical testing. Allele origin: germline. Affected: yes.
Comment: Not observed at significant frequency in large population cohorts (gnomAD); In silico analysis suggests that this missense variant does not alter protein structure/function; Has not been previously published as pathogenic or benign to our knowledge

Labcorp Genetics (formerly Invitae), Labcorp
Classification: Uncertain significance for Renal cell carcinoma. Last evaluated: 2025-04-30. Review status: criteria provided, single submitter. Criteria: Invitae Variant Classification Sherloc (09022015). Collection method: clinical testing. Allele origin: germline.
Comment: This sequence change replaces leucine, which is neutral and non-polar, with phenylalanine, which is neutral and non-polar, at codon 762 of the MET protein (p.Leu762Phe). This variant is not present in population databases (gnomAD no frequency). This variant has not been reported in the literature in individuals affected with MET-related conditions. ClinVar contains an entry for this variant (Variation ID: 1994202). An algorithm developed to predict the effect of missense changes on protein structure and function (PolyPhen-2) suggests that this variant is likely to be tolerated. In summary, the available evidence is currently insufficient to determine the role of this variant in disease. Therefore, it has been classified as a Variant of Uncertain Significance.

NM_000245.4(MET):c.2265-35C>T

Gene: MET (MET proto-oncogene, receptor tyrosine kinase; plus strand). Cytogenetic location: 7q31.2.
Variant type: single nucleotide variant.
Coding change: c.2265-35C>T on transcript NM_000245.4 (MANE Select); 35 bases into the intron before coding-DNA position 2265, C replaced by T.
Molecular consequence: intron variant. On other transcripts: missense variant (1).
Genome position (GRCh38, 1-based): chr7:116,759,356, C>T. VCF-style: chr7-116759356-C-T. GRCh37 (hg19) VCF-style: chr7-116399410-C-T.
Other names: c.2284C>T, p.Leu762Phe (NM_001127500.3); c.975-35C>T (NM_001324402.2); c.2265-35C>T (NM_001324401.3); short protein forms L762F.
Identifiers: ClinVar variation 1994202 (VCV001994202.7), dbSNP rs751101285, ClinGen allele CA4448442.